The following is an entry in ClinVar:

ClinVar aggregate classification (germline): Uncertain significance. Review status: criteria provided, multiple submitters, no conflicts (2 of 4 stars). 2 submissions from 2 submitters: Uncertain significance (2). Last evaluated 2024-06-04.

Conditions:
Autism (AUTS). Also called: Autistic disorder; Autistic disorder of childhood onset. Identifiers: MedGen C0004352, MeSH D001321, MONDO:0005260, OMIM 209850, HP:0000717.
Global developmental delay (DD). Also called: Cognitive delay. Identifiers: MedGen C0557874, HP:0001263. Disease mechanism: loss of function.
Seizure. Also called: Seizures. Identifiers: MedGen C0036572, HP:0001250.
Developmental and epileptic encephalopathy, 33 (DEE33). Also called: Epileptic encephalopathy, early infantile, 33. Identifiers: Orphanet 442835, MedGen C4225337, MONDO:0014625, OMIM 616409.

gnomAD v4.1: 7 of 1,605,974 alleles (0.00044%); highest among the groups gnomAD compares: Admixed American, 0.0033%; no homozygotes.

Submissions (2):

Labcorp Genetics (formerly Invitae), Labcorp
Classification: Uncertain significance for Developmental and epileptic encephalopathy, 33. Last evaluated: 2024-06-04. Review status: criteria provided, single submitter. Criteria: Invitae Variant Classification Sherloc (09022015). Collection method: clinical testing. Allele origin: germline.
Comment: This sequence change falls in intron 6 of the EEF1A2 gene. It does not directly change the encoded amino acid sequence of the EEF1A2 protein. It affects a nucleotide within the consensus splice site. This variant is present in population databases (rs111392970, gnomAD 0.003%). This variant has not been reported in the literature in individuals affected with EEF1A2-related conditions. ClinVar contains an entry for this variant (Variation ID: 1332901). Variants that disrupt the consensus splice site are a relatively common cause of aberrant splicing (PMID: 17576681, 9536098). Algorithms developed to predict the effect of sequence changes on RNA splicing suggest that this variant is not likely to affect RNA splicing. In summary, the available evidence is currently insufficient to determine the role of this variant in disease. Therefore, it has been classified as a Variant of Uncertain Significance.

Centre of Medical Genetics, University Hospital Muenster
Classification: Uncertain significance for Global developmental delay; Seizure; Autism. Last evaluated: 2021-12-04. Review status: criteria provided, single submitter. Criteria: ACMG Guidelines, 2015. Collection method: clinical testing. Allele origin: germline. Affected: yes. Observed: 1 variant allele, 1 heterozygote.
Comment: ACMG categories: PM2,PP3

Literature cited by the submitters: PubMed 17576681 (cited by Labcorp Genetics (formerly Invitae), Labcorp); PubMed 9536098 (cited by Labcorp Genetics (formerly Invitae), Labcorp).

NM_001958.5(EEF1A2):c.1029+3G>A

Gene: EEF1A2 (eukaryotic translation elongation factor 1 alpha 2; minus strand). Cytogenetic location: 20q13.33.
Variant type: single nucleotide variant.
Coding change: c.1029+3G>A on transcript NM_001958.5 (MANE Select); 3 bases into the intron after coding-DNA position 1029, G replaced by A.
Molecular consequence: intron variant.
Genome position (GRCh38, 1-based): chr20:63,490,476, C>T on the plus strand (G>A on the coding strand, the complement: EEF1A2 is on the minus strand). VCF-style: chr20-63490476-C-T. GRCh37 (hg19) VCF-style: chr20-62121829-C-T.
Identifiers: ClinVar variation 1332901 (VCV001332901.8), dbSNP rs111392970, ClinGen allele CA9958993.